The following is an entry in ClinVar:

NM_023067.4(FOXL2):c.293G>A (p.Trp98Ter)

Gene: FOXL2 (forkhead box L2; minus strand). Cytogenetic location: 3q22.3.
Variant type: single nucleotide variant.
Coding change: c.293G>A on transcript NM_023067.4 (MANE Select); coding-DNA position 293, G replaced by A.
Protein change: p.Trp98Ter; replaces tryptophan 98 with a stop codon.
Molecular consequence: nonsense.
Genome position (GRCh38, 1-based): chr3:138,946,430, C>T on the plus strand (G>A on the coding strand, the complement: FOXL2 is on the minus strand). VCF-style: chr3-138946430-C-T. GRCh37 (hg19) VCF-style: chr3-138665272-C-T.
Other names: short protein forms W98*.
Identifiers: ClinVar variation 369898 (VCV000369898.1), dbSNP rs1057516150, ClinGen allele CA10654896.

ClinVar aggregate classification (germline): Pathogenic (1 of 4 stars; one submission).

Conditions:
Blepharophimosis, ptosis, and epicanthus inversus syndrome. Identifiers: Orphanet 126, MedGen C0220663, MONDO:0007201, OMIM 110100.

Submission:

Genomic Diagnostic Laboratory, Division of Genomic Diagnostics, Children's Hospital of Philadelphia
Classification: Pathogenic for Blepharophimosis, ptosis, and epicanthus inversus syndrome. Last evaluated: 2016-11-03. Review status: criteria provided, single submitter. Criteria: DGD Variant Analysis Guidelines. Collection method: clinical testing. Allele origin: germline. Affected: yes. Observed: 3 variant alleles.
Comment: Clinical Testing